The following is an entry in ClinVar:

ClinVar aggregate classification (germline): Benign/Likely benign. Review status: criteria provided, multiple submitters, no conflicts (2 of 4 stars). 5 submissions from 5 submitters: Benign (3); Likely benign (1). 1 of the submissions does not count toward it. Last evaluated 2026-08-21.

Conditions:
Alkaptonuria (AKU). Also called: Alcaptonuria; HOMOGENTISIC ACID OXIDASE DEFICIENCY; Homogentisic acidura; Alkaptonuric ochronosis. Identifiers: Orphanet 56, MedGen C0002066, MONDO:0008753, OMIM 203500.
HGD-related disorder. Also called: HGD-related condition.

Allele frequency attached by ClinVar (database versions not stated): 1000 Genomes Project 30x 0.00390; ESP Exome Variant Server 0.00392; gnomAD 0.00392 and 0.00416; TOPMed 0.00445; gnomAD exomes 0.00038 and 0.00084; ExAC 0.00109; 1000 Genomes Project 0.00319.
gnomAD v4.1: 1,165 of 1,598,508 alleles (0.073%); highest among the groups gnomAD compares: African/African-American, 1.4%; 9 homozygotes.

Submissions (5):

PreventionGenetics, part of Exact Sciences
Classification: Likely benign for HGD-related condition. Last evaluated: 2026-08-21. Review status: criteria provided, single submitter. Criteria: ACMG Guidelines, 2015. Collection method: clinical testing. Allele origin: germline.
Comment: This variant is classified as likely benign based on ACMG/AMP sequence variant interpretation guidelines (Richards et al. 2015 PMID: 25741868, with internal and published modifications).

Labcorp Genetics (formerly Invitae), Labcorp
Classification: Benign for Alkaptonuria. Last evaluated: 2026-01-28. Review status: criteria provided, single submitter. Criteria: Invitae Variant Classification Sherloc (09022015). Collection method: clinical testing. Allele origin: germline.

Illumina Laboratory Services, Illumina
Classification: Benign for Alkaptonuria. Last evaluated: 2018-01-12. Review status: criteria provided, single submitter. Criteria: ICSL Variant Classification Criteria 13 December 2019. Collection method: clinical testing. Allele origin: germline.
Comment: This variant was observed in the ICSL laboratory as part of a predisposition screen in an ostensibly healthy population. It had not been previously curated by ICSL or reported in the Human Gene Mutation Database (HGMD: prior to June 1st, 2018), and was therefore a candidate for classification through an automated scoring system. Utilizing variant allele frequency, disease prevalence and penetrance estimates, and inheritance mode, an automated score was calculated to assess if this variant is too frequent to cause the disease. Based on the score and internal cut-off values, a variant classified as benign is not then subjected to further curation. The score for this variant resulted in a classification of benign for this disease.

Breakthrough Genomics
Classification: Benign. Review status: criteria provided, single submitter. Criteria: ACMG Guidelines, 2015. Collection method: not provided. Allele origin: germline. Inheritance: Autosomal recessive inheritance. Affected: yes.

Department Of Human Genetics, Institute Of Clinical And Translational Research, Biomedical Research Center, Slovak Academy Of Sciences
Classification: Likely pathogenic for Alkaptonuria. Review status: no assertion criteria provided. Collection method: research. Allele origin: germline. Inheritance: Autosomal recessive inheritance. Affected: yes. Observed: 1 variant allele. Not counted in ClinVar's aggregate classification.
Comment: The variant was originally described in AKU patient in PMID:19862842. It has been submitted to the HGD gene mutation database as polymorphism, however, predictions using HGDiscovery indicate protomer destabilization and hexamer disruption, thus, it is most likely pathogenic (DB-ID: AKU_00129).

Literature cited by the submitters: PubMed 19862842 (cited by Department Of Human Genetics, Institute Of Clinical And Translational Research, Biomedical Research Center, Slovak Academy Of Sciences).

NM_000187.4(HGD):c.260A>C (p.Glu87Ala)

Gene: HGD (homogentisate 1,2-dioxygenase; minus strand). Cytogenetic location: 3q13.33.
Variant type: single nucleotide variant.
Coding change: c.260A>C on transcript NM_000187.4 (MANE Select); coding-DNA position 260, A replaced by C.
Protein change: p.Glu87Ala; replaces glutamic acid 87 with alanine.
Molecular consequence: missense variant.
Genome position (GRCh38, 1-based): chr3:120,670,449, T>G on the plus strand (A>C on the coding strand, the complement: HGD is on the minus strand). VCF-style: chr3-120670449-T-G. GRCh37 (hg19) VCF-style: chr3-120389296-T-G.
Other names: short protein forms E87A.
Identifiers: ClinVar variation 342752 (VCV000342752.18), dbSNP rs35702995, ClinGen allele CA2560294.
Genomic context (GRCh38, chr3:120,670,449, plus strand): 5'-GGGTATATGATAAGCTTCAATTCACAGGACCAGGTTACCTGGTTAGGATCAGGATCAACT[T>G]CATCCCAGTTGTGAGTGACTTGGCCTTCGTCAATGGATTCAAAGGGCTTGTGAGAAACTG-3'
Protein context (NP_000178.2, residues 77-97): DEGQVTHNWD[Glu87Ala]VDPDPNQLRW